The following is an entry in ClinVar:

NM_001367624.2(ZNF469):c.8469C>A (p.Asp2823Glu)

Gene: ZNF469 (zinc finger protein 469; plus strand). Cytogenetic location: 16q24.2.
Variant type: single nucleotide variant.
Coding change: c.8469C>A on transcript NM_001367624.2 (MANE Select); coding-DNA position 8469, C replaced by A.
Protein change: p.Asp2823Glu; replaces aspartic acid 2823 with glutamic acid.
Molecular consequence: missense variant.
Genome position (GRCh38, 1-based): chr16:88,435,939, C>A. VCF-style: chr16-88435939-C-A. GRCh37 (hg19) VCF-style: chr16-88502347-C-A.
Other names: NM_001127464.1:c.8385C>A; short protein forms D2823E.
Identifiers: ClinVar variation 5032216 (VCV005032216.1).

ClinVar aggregate classification (germline): Uncertain significance (1 of 4 stars; one submission).

Conditions:
Cardiovascular phenotype. Identifiers: MedGen CN230736.

gnomAD v4.1: 3 of 1,550,034 alleles (0.00019%); highest among the groups gnomAD compares: Non-Finnish European, 0.00026%; no homozygotes.

Submission:

Ambry Genetics
Classification: Uncertain significance for Cardiovascular phenotype. Last evaluated: 2026-07-09. Review status: criteria provided, single submitter. Criteria: Ambry Variant Classification Scheme 2023. Collection method: clinical testing. Allele origin: germline.
Comment: The p.D2795E variant (also known as c.8385C>A), located in coding exon 2 of the ZNF469 gene, results from a C to A substitution at nucleotide position 8385. The aspartic acid at codon 2795 is replaced by glutamic acid, an amino acid with highly similar properties. This amino acid position is conserved. In addition, this alteration is predicted to be tolerated by in silico analysis. Based on the available evidence, the clinical significance of this variant remains unclear.